The following is an entry in ClinVar:

ClinVar aggregate classification (germline): Uncertain significance (1 of 4 stars; one submission).

Submission:

GeneDx
Classification: Uncertain significance. Last evaluated: 2023-07-20. Review status: criteria provided, single submitter. Criteria: GeneDx Variant Classification Process June 2021. Collection method: clinical testing. Allele origin: germline. Affected: yes.
Comment: Has not been previously published as pathogenic or benign to our knowledge; Not observed at significant frequency in large population cohorts (gnomAD); Missense variants in this gene are often considered pathogenic (HGMD); In silico analysis supports that this missense variant has a deleterious effect on protein structure/function

NM_005343.4(HRAS):c.195C>G (p.Ser65Arg)

Genes: HRAS (HRas proto-oncogene, GTPase; minus strand), LRRC56 (leucine rich repeat containing 56; plus strand). Cytogenetic location: 11p15.5.
Variant type: single nucleotide variant.
Coding change: c.195C>G on transcript NM_005343.4 (MANE Select); coding-DNA position 195, C replaced by G.
Protein change: p.Ser65Arg; replaces serine 65 with arginine.
Molecular consequence: missense variant. On other transcripts: 5 prime UTR variant (1).
Genome position (GRCh38, 1-based): chr11:533,861, G>C on the plus strand (C>G on the coding strand, the complement: HRAS is on the minus strand). VCF-style: chr11-533861-G-C. GRCh37 (hg19) VCF-style: chr11-533861-G-C.
Other names: c.195C>G, p.Ser65Arg (NM_001130442.3, NM_176795.5); c.-125C>G (NM_001318054.2); short protein forms S65R.
Identifiers: ClinVar variation 3361451 (VCV003361451.1).
Genomic context (GRCh38, chr11:533,861, plus strand): 5'-GTTGATGGCAAACACACACAGGAAGCCCTCCCCGGTGCGCATGTACTGGTCCCGCATGGC[G>C]CTGTACTCCTCCTGGCCGGCGGTATCCAGGATGTCCAACAGGCACGTCTCCCCATCAATG-3'
Protein context (NP_005334.1, residues 55-75): ILDTAGQEEY[Ser65Arg]AMRDQYMRTG